The following is an entry in ClinVar:

ClinVar aggregate classification (germline): Uncertain significance. Review status: criteria provided, multiple submitters, no conflicts (2 of 4 stars). 2 submissions from 2 submitters: Uncertain significance (2). Last evaluated 2025-10-16.

Conditions:
Hereditary cancer-predisposing syndrome. Also called: Hereditary neoplastic syndrome; Hereditary Cancer Syndrome; Neoplastic Syndromes, Hereditary; Tumor predisposition. Identifiers: Orphanet 140162, MedGen C0027672, MeSH D009386, MONDO:0015356.
Neuroblastoma, susceptibility to, 3. Also called: ALK-Related Neuroblastic Tumor Susceptibility. Identifiers: Orphanet 635, MedGen C2751681, MONDO:0013083, OMIM 613014.

Submissions (2):

Ambry Genetics
Classification: Uncertain significance for Hereditary cancer-predisposing syndrome. Last evaluated: 2025-10-16. Review status: criteria provided, single submitter. Criteria: Ambry Variant Classification Scheme 2023. Collection method: clinical testing. Allele origin: germline.
Comment: The p.P1029S variant (also known as c.3085C>T), located in coding exon 19 of the ALK gene, results from a C to T substitution at nucleotide position 3085. The proline at codon 1029 is replaced by serine, an amino acid with similar properties. This amino acid position is conserved. In addition, this alteration is predicted to be tolerated by in silico analysis. Based on the available evidence, the clinical significance of this variant remains unclear.

Labcorp Genetics (formerly Invitae), Labcorp
Classification: Uncertain significance for Neuroblastoma, susceptibility to, 3. Last evaluated: 2025-09-24. Review status: criteria provided, single submitter. Criteria: Invitae Variant Classification Sherloc (09022015). Collection method: clinical testing. Allele origin: germline.
Comment: This sequence change replaces proline, which is neutral and non-polar, with serine, which is neutral and polar, at codon 1029 of the ALK protein (p.Pro1029Ser). This variant is not present in population databases (gnomAD no frequency). This variant has not been reported in the literature in individuals affected with ALK-related conditions. ClinVar contains an entry for this variant (Variation ID: 2730583). An algorithm developed to predict the effect of missense changes on protein structure and function (PolyPhen-2) suggests that this variant is likely to be disruptive. In summary, the available evidence is currently insufficient to determine the role of this variant in disease. Therefore, it has been classified as a Variant of Uncertain Significance.

NM_004304.5(ALK):c.3085C>T (p.Pro1029Ser)

Gene: ALK (ALK receptor tyrosine kinase; minus strand). Cytogenetic location: 2p23.2.
Variant type: single nucleotide variant.
Coding change: c.3085C>T on transcript NM_004304.5 (MANE Select); coding-DNA position 3085, C replaced by T.
Protein change: p.Pro1029Ser; replaces proline 1029 with serine.
Molecular consequence: missense variant.
Genome position (GRCh38, 1-based): chr2:29,225,548, G>A on the plus strand (C>T on the coding strand, the complement: ALK is on the minus strand). VCF-style: chr2-29225548-G-A. GRCh37 (hg19) VCF-style: chr2-29448414-G-A.
Other names: c.3085C>T (NM_004304.4); short protein forms P1029S.
Identifiers: ClinVar variation 2730583 (VCV002730583.4), dbSNP rs543328121, ClinGen allele CA346467037.